The following is an entry in ClinVar:

NM_145059.3(FCSK):c.2103G>A (p.Pro701=)

Gene: FCSK (fucose kinase; plus strand). Cytogenetic location: 16q22.1.
Variant type: single nucleotide variant.
Coding change: c.2103G>A on transcript NM_145059.3 (MANE Select); coding-DNA position 2103, G replaced by A.
Protein change: p.Pro701=; no amino-acid change (proline 701 retained).
Molecular consequence: synonymous variant.
Genome position (GRCh38, 1-based): chr16:70,474,642, G>A. VCF-style: chr16-70474642-G-A. GRCh37 (hg19) VCF-style: chr16-70508545-G-A.
Identifiers: ClinVar variation 1300567 (VCV001300567.12), dbSNP rs17878832, ClinGen allele CA8143493.

ClinVar aggregate classification (germline): Benign. Review status: criteria provided, multiple submitters, no conflicts (2 of 4 stars). 4 submissions from 4 submitters: Benign (3). 1 of the submissions does not count toward it. Last evaluated 2026-01-27.

Conditions:
FCSK-related disorder. Also called: FCSK-related condition.

Allele frequency attached by ClinVar (database versions not stated): gnomAD exomes 0.00298 and 0.00722; ExAC 0.01876; ESP Exome Variant Server 0.03076; gnomAD 0.03207 and 0.03442; TOPMed 0.03521; 1000 Genomes Project 0.03534; 1000 Genomes Project 30x 0.03919.
gnomAD v4.1: 9,352 of 1,596,908 alleles (0.59%); highest among the groups gnomAD compares: African/African-American, 11%; 526 homozygotes.

Submissions (4):

Labcorp Genetics (formerly Invitae), Labcorp
Classification: Benign. Last evaluated: 2026-01-27. Review status: criteria provided, single submitter. Criteria: Invitae Variant Classification Sherloc (09022015). Collection method: clinical testing. Allele origin: germline.

GeneDx
Classification: Benign. Last evaluated: 2021-10-07. Review status: criteria provided, single submitter. Criteria: GeneDx Variant Classification Process June 2021. Collection method: clinical testing. Allele origin: germline. Affected: yes.

Breakthrough Genomics
Classification: Benign. Review status: criteria provided, single submitter. Criteria: ACMG Guidelines, 2015. Collection method: not provided. Allele origin: germline. Inheritance: Autosomal recessive inheritance. Affected: yes.

PreventionGenetics, part of Exact Sciences
Classification: Benign for FCSK-related condition. Last evaluated: 2019-06-17. Review status: no assertion criteria provided. Collection method: clinical testing. Allele origin: germline. Not counted in ClinVar's aggregate classification.
Comment: This variant is classified as benign based on ACMG/AMP sequence variant interpretation guidelines (Richards et al. 2015 PMID: 25741868, with internal and published modifications).